The following is an entry in ClinVar:

ClinVar aggregate classification (germline): Uncertain significance (1 of 4 stars; one submission).

Allele frequency attached by ClinVar (database versions not stated): gnomAD exomes below 0.00001.
gnomAD v4.1: 2 of 1,614,034 alleles (0.00012%); highest among the groups gnomAD compares: Admixed American, 0.0017%; no homozygotes.

Submission:

Ambry Genetics
Classification: Uncertain significance. Last evaluated: 2024-01-19. Review status: criteria provided, single submitter. Criteria: Ambry Variant Classification Scheme 2023. Collection method: clinical testing. Allele origin: germline.
Comment: The p.S1357N variant (also known as c.4070G>A), located in coding exon 16 of the POLQ gene, results from a G to A substitution at nucleotide position 4070. The serine at codon 1357 is replaced by asparagine, an amino acid with highly similar properties. This amino acid position is conserved. In addition, this alteration is predicted to be tolerated by in silico analysis. Since supporting evidence is limited at this time, the clinical significance of this alteration remains unclear.

NM_199420.4(POLQ):c.4070G>A (p.Ser1357Asn)

Gene: POLQ (DNA polymerase theta; minus strand). Cytogenetic location: 3q13.33.
Variant type: single nucleotide variant.
Coding change: c.4070G>A on transcript NM_199420.4 (MANE Select); coding-DNA position 4070, G replaced by A.
Protein change: p.Ser1357Asn; replaces serine 1357 with asparagine.
Molecular consequence: missense variant.
Genome position (GRCh38, 1-based): chr3:121,488,861, C>T on the plus strand (G>A on the coding strand, the complement: POLQ is on the minus strand). VCF-style: chr3-121488861-C-T. GRCh37 (hg19) VCF-style: chr3-121207708-C-T.
Other names: short protein forms S1357N.
Identifiers: ClinVar variation 1737550 (VCV001737550.2), dbSNP rs1444105056, ClinGen allele CA354096289.